The following is an entry in ClinVar:

ClinVar aggregate classification (germline): Uncertain significance (1 of 4 stars; one submission).

Conditions:
Papillary renal cell carcinoma type 1 (RCCP1). Also called: RENAL CELL CARCINOMA, PAPILLARY, 1, SOMATIC; Renal adenocarcinoma; Renal cell carcinoma 1; Renal cell carcinoma, somatic. Identifiers: Orphanet 47044, MedGen C1336839, OMIM 605074, HP:0011797.

Submission:

Labcorp Genetics (formerly Invitae), Labcorp
Classification: Uncertain significance for Renal cell carcinoma. Last evaluated: 2016-11-22. Review status: criteria provided, single submitter. Criteria: Invitae Variant Classification Sherloc (09022015). Collection method: clinical testing. Allele origin: germline.
Comment: This variant is a gross duplication of the genomic region encompassing exons 5-21 of the MET gene. The 5' boundary is likely confined to intron 4. The 3' end of this event is unknown as it extends beyond the assayed region for this gene and therefore may encompass additional genes. This duplication has not been reported in the literature in individuals with a MET-related disease. Experimental studies and prediction algorithms are not available for this variant, and the functional significance of this duplication is currently unknown. In summary, the exact genomic location of this variant is unknown and the impact of this duplication on MET protein function has not been established. Therefore, it has been classified as a Variant of Uncertain Significance.

NM_001127500.2(MET):c.1528-?_*2262dup4962

Genes: MET (MET proto-oncogene, receptor tyrosine kinase; plus strand), LOC111365177 (MED14-independent group 3 enhancer GRCh37_chr7:116412324-116413523; plus strand), LOC113219432 (greater CFTR locus negative regulatory element CR8; plus strand), LOC126860158 (P300/CBP strongly-dependent group 1 enhancer GRCh37_chr7:116416081-116417280; plus strand). Cytogenetic location: 7q31.2.
Variant type: Duplication.
Coding change: c.1528-?_*2262dup4962 on transcript NM_001127500.2.
Other names: c.1528-?_*2262+?dup (LRG_662t1).
Identifiers: ClinVar variation 252900 (VCV000252900.1).